The following is an entry in ClinVar:

ClinVar aggregate classification (germline): Uncertain significance (1 of 4 stars; one submission).

Conditions:
Hereditary cancer-predisposing syndrome. Also called: Neoplastic Syndromes, Hereditary; Tumor predisposition; Hereditary neoplastic syndrome; Hereditary Cancer Syndrome. Identifiers: Orphanet 140162, MedGen C0027672, MeSH D009386, MONDO:0015356.

Submission:

Ambry Genetics
Classification: Uncertain significance for Hereditary cancer-predisposing syndrome. Last evaluated: 2026-04-27. Review status: criteria provided, single submitter. Criteria: Ambry Variant Classification Scheme 2023. Collection method: clinical testing. Allele origin: germline.
Comment: The p.P81A variant (also known as c.241C>G), located in coding exon 2 of the CDKN2A gene, results from a C to G substitution at nucleotide position 241. The proline at codon 81 is replaced by alanine, an amino acid with highly similar properties. Of note, this variant is also known as c.284C>G (p.T95S) in the p14(ARF) isoform. This amino acid position is highly conserved in available vertebrate species. In addition, this alteration is predicted to be deleterious by in silico analysis. Based on the available evidence, the clinical significance of this variant remains unclear.

NM_000077.5(CDKN2A):c.241C>G (p.Pro81Ala)

Gene: CDKN2A (cyclin dependent kinase inhibitor 2A; minus strand). Cytogenetic location: 9p21.3.
Variant type: single nucleotide variant.
Coding change: c.241C>G on transcript NM_000077.5; coding-DNA position 241, C replaced by G.
Protein change: p.Pro81Ala; replaces proline 81 with alanine.
Molecular consequence: missense variant (on NM_000077.6). On other transcripts: 3 prime UTR variant (1).
Genome position (GRCh38, 1-based): chr9:21,971,118, G>C on the plus strand (C>G on the coding strand, the complement: CDKN2A is on the minus strand). VCF-style: chr9-21971118-G-C. GRCh37 (hg19) VCF-style: chr9-21971117-G-C.
Other names: c.241C>G, p.Pro81Ala (NM_000077.6, NM_001195132.2); c.88C>G, p.Pro30Ala (NM_001363763.2); c.284C>G, p.Thr95Ser (NM_058195.4); c.*164C>G (NM_058197.5); short protein forms P30A, P81A, T95S.
Identifiers: ClinVar variation 4868648 (VCV004868648.1).